The following is an entry in ClinVar:

ClinVar aggregate classification (germline): Uncertain significance (1 of 4 stars; one submission).

Conditions:
Cardiovascular phenotype. Identifiers: MedGen CN230736.

Submission:

Ambry Genetics
Classification: Uncertain significance for Cardiovascular phenotype. Last evaluated: 2024-10-04. Review status: criteria provided, single submitter. Criteria: Ambry Variant Classification Scheme 2023. Collection method: clinical testing. Allele origin: germline.
Comment: The p.K101N variant (also known as c.303G>T), located in coding exon 3 of the APOA1 gene, results from a G to T substitution at nucleotide position 303. The lysine at codon 101 is replaced by asparagine, an amino acid with similar properties. This amino acid position is conserved. In addition, this alteration is predicted to be tolerated by in silico analysis. Based on the available evidence, the clinical significance of this variant remains unclear.

NM_000039.3(APOA1):c.303G>T (p.Lys101Asn)

Genes: APOA1 (apolipoprotein A1; minus strand), APOA1-AS (APOA1 antisense RNA; plus strand). Cytogenetic location: 11q23.3.
Variant type: single nucleotide variant.
Coding change: c.303G>T on transcript NM_000039.3 (MANE Select); coding-DNA position 303, G replaced by T.
Protein change: p.Lys101Asn; replaces lysine 101 with asparagine.
Molecular consequence: missense variant. On other transcripts: 5 prime UTR variant (3).
Genome position (GRCh38, 1-based): chr11:116,836,309, C>A on the plus strand (G>T on the coding strand, the complement: APOA1 is on the minus strand). VCF-style: chr11-116836309-C-A. GRCh37 (hg19) VCF-style: chr11-116707025-C-A.
Other names: c.303G>T, p.Lys101Asn (NM_001318017.2, NM_001318018.2, NM_001425090.1 and 1 more transcripts); c.-25G>T (NM_001318021.2, NM_001425091.1, NM_001425092.1); short protein forms K101N.
Identifiers: ClinVar variation 3414209 (VCV003414209.1).
Genomic context (GRCh38, chr11:116,836,309, plus strand): 5'-CACCTTGGCCTTCACCTCCTCCAGATCCTTGCTCATCTCCTGCCTCAGGCCCTCTGTCTC[C>A]TTTTCCAGGTTATCCCAGAACTCCTGGGTCACAGGGCCGAGCTGTTCGCGCAGCTTGCTG-3'
Protein context (NP_000030.1, residues 91-111): VTQEFWDNLE[Lys101Asn]ETEGLRQEMS